The following is an entry in ClinVar:

ClinVar aggregate classification (germline): Pathogenic (1 of 4 stars; one submission).

Submission:

GeneDx
Classification: Pathogenic. Last evaluated: 2017-03-07. Review status: criteria provided, single submitter. Criteria: GeneDx Variant Classification (06012015). Collection method: clinical testing. Allele origin: germline. Affected: yes.
Comment: The K58X variant in the PARN gene has not been reported previously as a pathogenic variant nor as a benign variant, to our knowledge. This variant is predicted to cause loss of normal protein function either through protein truncation or nonsense-mediated mRNA decay. The K58X variant is not observed in large population cohorts (Lek et al., 2016; 1000 Genomes Consortium et al., 2015; Exome Variant Server). We interpret K58X as a pathogenic variant.

NM_002582.4(PARN):c.172A>T (p.Lys58Ter)

Gene: PARN (poly(A)-specific ribonuclease; minus strand). Cytogenetic location: 16p13.12.
Variant type: single nucleotide variant.
Coding change: c.172A>T on transcript NM_002582.4 (MANE Select); coding-DNA position 172, A replaced by T.
Protein change: p.Lys58Ter; replaces lysine 58 with a stop codon.
Molecular consequence: nonsense. On other transcripts: 5 prime UTR variant (1), intron variant (1).
Genome position (GRCh38, 1-based): chr16:14,628,177, T>A on the plus strand (A>T on the coding strand, the complement: PARN is on the minus strand). VCF-style: chr16-14628177-T-A. GRCh37 (hg19) VCF-style: chr16-14722034-T-A.
Other names: c.-12A>T (NM_001134477.3); c.158+14A>T (NM_001242992.2); c.172A>T, p.Lys58Ter (LRG_1286t1); short protein forms K58*.
Identifiers: ClinVar variation 424050 (VCV000424050.2), dbSNP rs1064796768, ClinGen allele CA16620071.